The following is an entry in ClinVar:

NM_001130823.3(DNMT1):c.648+7C>T

Gene: DNMT1 (DNA methyltransferase 1; minus strand). Cytogenetic location: 19p13.2.
Variant type: single nucleotide variant.
Coding change: c.648+7C>T on transcript NM_001130823.3 (MANE Select); 7 bases into the intron after coding-DNA position 648, C replaced by T.
Molecular consequence: intron variant.
Genome position (GRCh38, 1-based): chr19:10,175,533, G>A on the plus strand (C>T on the coding strand, the complement: DNMT1 is on the minus strand). VCF-style: chr19-10175533-G-A. GRCh37 (hg19) VCF-style: chr19-10286209-G-A.
Other names: c.285+7C>T (NM_001318731.2); c.600+7C>T (NM_001379.4, NM_001318730.2).
Identifiers: ClinVar variation 2148187 (VCV002148187.8), dbSNP rs763555942, ClinGen allele CA9188678.

ClinVar aggregate classification (germline): Benign/Likely benign. Review status: criteria provided, multiple submitters, no conflicts (2 of 4 stars). 2 submissions from 2 submitters: Benign (1); Likely benign (1). Last evaluated 2025-11-12.

Conditions:
Hereditary sensory neuropathy-deafness-dementia syndrome. Also called: Hereditary sensory neuropathy type IE; NEUROPATHY, HEREDITARY SENSORY, WITH HEARING LOSS AND DEMENTIA; HSN IE; Hereditary Sensory and Autonomic Neuropathy Type 1E (HSAN1E). Identifiers: Orphanet 456318, MedGen C3279885, MONDO:0013584, OMIM 614116.

Allele frequency attached by ClinVar (database versions not stated): ExAC 0.00002; gnomAD exomes 0.00002.
gnomAD v4.1: 31 of 1,613,976 alleles (0.0019%); highest among the groups gnomAD compares: South Asian, 0.034%; no homozygotes.

Submissions (2):

Labcorp Genetics (formerly Invitae), Labcorp
Classification: Likely benign for Hereditary sensory neuropathy-deafness-dementia syndrome. Last evaluated: 2025-11-12. Review status: criteria provided, single submitter. Criteria: Invitae Variant Classification Sherloc (09022015). Collection method: clinical testing. Allele origin: germline.

Women's Health and Genetics/Laboratory Corporation of America, LabCorp
Classification: Benign. Last evaluated: 2025-04-30. Review status: criteria provided, single submitter. Criteria: LabCorp Variant Classification Summary - May 2015. Collection method: clinical testing. Allele origin: germline.
Comment: Variant summary: DNMT1 c.648+7C>T alters a nucleotide located at a position not widely known to affect splicing. Several computational tools predict a significant impact on normal splicing: One predicts the variant weakens the canonical 5' donor site. Two predict the variant creates a cryptic 5' donor site. However, these predictions have yet to be confirmed by functional studies. The variant allele was found at a frequency of 1.9e-05 in 1613976 control chromosomes, predominantly at a frequency of 0.00034 within the South Asian subpopulation in the gnomAD database. The observed variant frequency within South Asian control individuals in the gnomAD database is approximately 544 fold of the estimated maximal expected allele frequency for a pathogenic variant in DNMT1 causing Hereditary sensory neuropathy-deafness-dementia syndrome phenotype (6.3e-07). To our knowledge, no occurrence of c.648+7C>T in individuals affected with Hereditary sensory neuropathy-deafness-dementia syndrome and no experimental evidence demonstrating its impact on protein function have been reported. ClinVar contains an entry for this variant (Variation ID: 2148187). Based on the evidence outlined above, the variant was classified as benign.